The following is an entry in ClinVar:

ClinVar aggregate classification (germline): Uncertain significance (1 of 4 stars; one submission).

Submission:

Labcorp Genetics (formerly Invitae), Labcorp
Classification: Uncertain significance. Last evaluated: 2025-08-13. Review status: criteria provided, single submitter. Criteria: Invitae Variant Classification Sherloc (09022015). Collection method: clinical testing. Allele origin: germline.
Comment: This sequence change replaces glycine, which is neutral and non-polar, with arginine, which is basic and polar, at codon 43 of the POU4F3 protein (p.Gly43Arg). This variant is present in population databases (rs753321202, gnomAD 0.007%). This variant has not been reported in the literature in individuals affected with POU4F3-related conditions. An algorithm developed to predict the effect of missense changes on protein structure and function (PolyPhen-2) suggests that this variant is likely to be disruptive. In summary, the available evidence is currently insufficient to determine the role of this variant in disease. Therefore, it has been classified as a Variant of Uncertain Significance.

NM_002700.3(POU4F3):c.127G>C (p.Gly43Arg)

Genes: POU4F3 (POU class 4 homeobox 3; plus strand), RBM27-POU4F3 (RBM27-POU4F3 readthrough; plus strand). Cytogenetic location: 5q32.
Variant type: single nucleotide variant.
Coding change: c.127G>C on transcript NM_002700.3 (MANE Select); coding-DNA position 127, G replaced by C.
Protein change: p.Gly43Arg; replaces glycine 43 with arginine.
Molecular consequence: missense variant.
Genome position (GRCh38, 1-based): chr5:146,339,554, G>C. VCF-style: chr5-146339554-G-C. GRCh37 (hg19) VCF-style: chr5-145719117-G-C.
Other names: c.2960G>C, p.Gly987Ala (NM_001414499.1); short protein forms G43R, G987A.
Identifiers: ClinVar variation 4772256 (VCV004772256.1).